The following is an entry in ClinVar:

NM_203446.3(SYNJ1):c.-23+3G>A

Gene: SYNJ1 (synaptojanin 1; minus strand). Cytogenetic location: 21q22.11.
Variant type: single nucleotide variant.
Coding change: c.-23+3G>A on transcript NM_203446.3 (MANE Select); 3 bases into the intron after 23 bases upstream of the start codon, G replaced by A.
Molecular consequence: intron variant.
Genome position (GRCh38, 1-based): chr21:32,727,943, C>T on the plus strand (G>A on the coding strand, the complement: SYNJ1 is on the minus strand). VCF-style: chr21-32727943-C-T. GRCh37 (hg19) VCF-style: chr21-34100254-C-T.
Other names: c.95+3G>A (NM_003895.4).
Identifiers: ClinVar variation 1059706 (VCV001059706.7), dbSNP rs779813770, ClinGen allele CA319437468.

ClinVar aggregate classification (germline): Uncertain significance (1 of 4 stars; one submission).

Conditions:
Developmental and epileptic encephalopathy, 53. Also called: Epileptic encephalopathy, early infantile, 53. Identifiers: MedGen C4479313, MONDO:0033362, OMIM 617389.
Early-onset Parkinson disease 20. Also called: PARKINSON DISEASE 20, AUTOSOMAL RECESSIVE EARLY-ONSET. Identifiers: Orphanet 391411, MedGen C3809824, MONDO:0014233, OMIM 615530.

gnomAD v4.1: 15 of 1,532,998 alleles (0.00098%); highest among the groups gnomAD compares: African/African-American, 0.0028%; no homozygotes.

Submission:

Labcorp Genetics (formerly Invitae), Labcorp
Classification: Uncertain significance for Developmental and epileptic encephalopathy, 53; Early-onset Parkinson disease 20. Last evaluated: 2024-10-15. Review status: criteria provided, single submitter. Criteria: Invitae Variant Classification Sherloc (09022015). Collection method: clinical testing. Allele origin: germline.
Comment: This sequence change falls in intron 1 of the SYNJ1 gene. It does not directly change the encoded amino acid sequence of the SYNJ1 protein. It affects a nucleotide within the consensus splice site. This variant is not present in population databases (gnomAD no frequency). This variant has not been reported in the literature in individuals affected with SYNJ1-related conditions. ClinVar contains an entry for this variant (Variation ID: 1059706). Variants that disrupt the consensus splice site are a relatively common cause of aberrant splicing (PMID: 17576681, 9536098). Algorithms developed to predict the effect of sequence changes on RNA splicing suggest that this variant is not likely to affect RNA splicing. In summary, the available evidence is currently insufficient to determine the role of this variant in disease. Therefore, it has been classified as a Variant of Uncertain Significance.

Literature cited by the submitters: PubMed 17576681; PubMed 9536098.